The following is an entry in ClinVar:

ClinVar aggregate classification (germline): Uncertain significance (1 of 4 stars; one submission).

Submission:

Ambry Genetics
Classification: Uncertain significance. Last evaluated: 2025-01-11. Review status: criteria provided, single submitter. Criteria: Ambry Variant Classification Scheme 2023. Collection method: clinical testing. Allele origin: germline.
Comment: The p.L763V variant (also known as c.2287C>G), located in coding exon 10 of the WNK2 gene, results from a C to G substitution at nucleotide position 2287. The leucine at codon 763 is replaced by valine, an amino acid with highly similar properties. This amino acid position is conserved. In addition, this alteration is predicted to be tolerated by in silico analysis. Based on the available evidence, the clinical significance of this variant remains unclear.

NM_006648.4(WNK2):c.2287C>G (p.Leu763Val)

Gene: WNK2 (WNK lysine deficient protein kinase 2; plus strand). Cytogenetic location: 9q22.31.
Variant type: single nucleotide variant.
Coding change: c.2287C>G on transcript NM_006648.4 (MANE Select); coding-DNA position 2287, C replaced by G.
Protein change: p.Leu763Val; replaces leucine 763 with valine.
Molecular consequence: missense variant.
Genome position (GRCh38, 1-based): chr9:93,257,044, C>G. VCF-style: chr9-93257044-C-G. GRCh37 (hg19) VCF-style: chr9-96019326-C-G.
Other names: c.2287C>G, p.Leu763Val (NM_001282394.3); short protein forms L763V.
Identifiers: ClinVar variation 3816806 (VCV003816806.1).